The following is an entry in ClinVar:

ClinVar aggregate classification (germline): Likely pathogenic (1 of 4 stars; one submission).

Submission:

GeneDx
Classification: Likely pathogenic. Last evaluated: 2025-06-02. Review status: criteria provided, single submitter. Criteria: GeneDx Variant Classification Process June 2021. Collection method: clinical testing. Allele origin: germline. Affected: yes.
Comment: Frameshift variant predicted to result in protein truncation, as the last 136 amino acids are replaced with 8 different amino acids, and other loss-of-function variants have been reported downstream in HGMD; Not observed at significant frequency in large population cohorts (gnomAD); Has not been previously published as pathogenic or benign to our knowledge

NM_000346.4(SOX9):c.1121del (p.Pro374fs)

Gene: SOX9 (SRY-box transcription factor 9; plus strand). Cytogenetic location: 17q24.3.
Variant type: Deletion.
Coding change: c.1121del on transcript NM_000346.4 (MANE Select); coding-DNA position 1121, one base deleted (C; older notation c.1121delC).
Protein change: p.Pro374fs; shifts the reading frame from proline 374.
Molecular consequence: frameshift variant.
Genome position (GRCh38, 1-based): chr17:72,123,978, C deleted; the last of 5 consecutive C bases (chr17:72,123,974-72,123,978); deleting any one gives the same sequence. VCF-style (leftmost placement, unchanged base first): chr17-72123973-AC-A. GRCh37 (hg19) VCF-style: chr17-70120114-AC-A.
Other names: short protein forms P374fs.
Identifiers: ClinVar variation 4536263 (VCV004536263.1).
Genomic context (GRCh38, chr17:72,123,973, plus strand): 5'-CCCGCCGGCCCCGCAGGCGCCCCCGCAGCCGCAGGCGGCGCCCCCACAGCAGCCGGCGGC[AC>A]CCCCGCAGCAGCCACAGGCGCACACGCTGACCACGCTGAGCAGCGAGCCGGGCCAGTCCC-3'